The following is an entry in ClinVar:

ClinVar aggregate classification (germline): Pathogenic. Review status: criteria provided, multiple submitters, no conflicts (2 of 4 stars). 4 submissions from 4 submitters: Pathogenic (3). 1 of the submissions does not count toward it. Last evaluated 2026-01-25.

Conditions:
Developmental and epileptic encephalopathy, 12 (DEE12). Identifiers: MedGen C3150988, MONDO:0013389, OMIM 613722.
Microcephaly, seizures, and developmental delay. Identifiers: Orphanet 1934, MedGen C3150667, MONDO:0013254, OMIM 613402.
Abnormality of the nervous system. Also called: Congenital nervous system disorder. Identifiers: MedGen C0497552, MONDO:0002320, HP:0000707.

Allele frequency attached by ClinVar (database versions not stated): gnomAD exomes below 0.00001.
gnomAD v4.1: 1 of 1,577,052 alleles (0.000063%); highest among the groups gnomAD compares: Non-Finnish European, 0.000086%; no homozygotes.

Submissions (4):

GeneDx
Classification: Pathogenic. Last evaluated: 2026-01-25. Review status: criteria provided, single submitter. Criteria: GeneDx Variant Classification Process June 2021. Collection method: clinical testing. Allele origin: germline. Affected: yes.
Comment: Published functional studies found this variant is associated with significantly reduced protein expression (PMID: 22508754); Not observed at significant frequency in large population cohorts (gnomAD); In silico analysis supports that this missense variant has a deleterious effect on protein structure/function; This variant is associated with the following publications: (PMID: 22508754, 27125728, 34697416, 32056211, 41436176, 38374194, 25728773, 24965255, 41283299, 20118933)

Labcorp Genetics (formerly Invitae), Labcorp
Classification: Pathogenic for Developmental and epileptic encephalopathy, 12. Last evaluated: 2022-11-20. Review status: criteria provided, single submitter. Criteria: Invitae Variant Classification Sherloc (09022015). Collection method: clinical testing. Allele origin: germline.
Comment: For these reasons, this variant has been classified as Pathogenic. Studies have shown that this missense change alters PNKP gene expression (PMID: 20118933). Advanced modeling of protein sequence and biophysical properties (such as structural, functional, and spatial information, amino acid conservation, physicochemical variation, residue mobility, and thermodynamic stability) has been performed at Invitae for this missense variant, however the output from this modeling did not meet the statistical confidence thresholds required to predict the impact of this variant on PNKP protein function. ClinVar contains an entry for this variant (Variation ID: 4846). This missense change has been observed in individual(s) with clinical features of PNKP-related conditions (PMID: 20118933, 32056211). It has also been observed to segregate with disease in related individuals. This variant is not present in population databases (gnomAD no frequency). This sequence change replaces glutamic acid, which is acidic and polar, with lysine, which is basic and polar, at codon 326 of the PNKP protein (p.Glu326Lys).

Kariminejad - Najmabadi Pathology & Genetics Center
Classification: Pathogenic for Abnormality of the nervous system. Last evaluated: 2021-07-10. Review status: criteria provided, single submitter. Criteria: ACMG Guidelines, 2015. Collection method: clinical testing. Allele origin: germline. Affected: yes.

OMIM
Classification: Pathogenic for MICROCEPHALY, SEIZURES, AND DEVELOPMENTAL DELAY. Last evaluated: 2010-03-01. Review status: no assertion criteria provided. Collection method: literature only. Allele origin: germline. Not counted in ClinVar's aggregate classification.

Literature cited by the submitters: PubMed 20118933 (cited by Labcorp Genetics (formerly Invitae), Labcorp and OMIM); PubMed 32056211 (cited by Labcorp Genetics (formerly Invitae), Labcorp).

NM_007254.4(PNKP):c.976G>A (p.Glu326Lys)

Gene: PNKP (polynucleotide kinase 3'-phosphatase; minus strand). Cytogenetic location: 19q13.33.
Variant type: single nucleotide variant.
Coding change: c.976G>A on transcript NM_007254.4 (MANE Select); coding-DNA position 976, G replaced by A.
Protein change: p.Glu326Lys; replaces glutamic acid 326 with lysine.
Molecular consequence: missense variant.
Genome position (GRCh38, 1-based): chr19:49,862,424, C>T on the plus strand (G>A on the coding strand, the complement: PNKP is on the minus strand). VCF-style: chr19-49862424-C-T. GRCh37 (hg19) VCF-style: chr19-50365681-C-T.
Other names: p.E326K:GAG>AAG; short protein forms E326K.
Identifiers: ClinVar variation 4846 (VCV000004846.30), dbSNP rs267606956, ClinGen allele CA250516.